The following is an entry in ClinVar:

NM_172107.4(KCNQ2):c.2082C>G (p.Ser694Arg)

Gene: KCNQ2 (potassium voltage-gated channel subfamily Q member 2; minus strand). Cytogenetic location: 20q13.33.
Variant type: single nucleotide variant.
Coding change: c.2082C>G on transcript NM_172107.4 (MANE Select); coding-DNA position 2082, C replaced by G.
Protein change: p.Ser694Arg; replaces serine 694 with arginine.
Molecular consequence: missense variant.
Genome position (GRCh38, 1-based): chr20:63,407,181, G>C on the plus strand (C>G on the coding strand, the complement: KCNQ2 is on the minus strand). VCF-style: chr20-63407181-G-C. GRCh37 (hg19) VCF-style: chr20-62038534-G-C.
Other names: c.1998C>G, p.Ser666Arg (NM_004518.6); c.2028C>G, p.Ser676Arg (NM_172106.3); c.1989C>G, p.Ser663Arg (NM_172108.5); c.2136C>G, p.Ser712Arg (NM_001382235.1); short protein forms S694R, S666R, S676R, S712R, S663R.
Identifiers: ClinVar variation 2725440 (VCV002725440.3), dbSNP rs2516102049, ClinGen allele CA409639031.

ClinVar aggregate classification (germline): Uncertain significance (1 of 4 stars; one submission).

Conditions:
Early-infantile DEE. Also called: Early infantile epileptic encephalopathy; Early infantile epileptic encephalopathy with suppression bursts; Ohtahara syndrome. Identifiers: Orphanet 1934, MedGen C0393706, MONDO:0800491.

Submission:

Labcorp Genetics (formerly Invitae), Labcorp
Classification: Uncertain significance for Early-infantile DEE. Last evaluated: 2023-10-29. Review status: criteria provided, single submitter. Criteria: Invitae Variant Classification Sherloc (09022015). Collection method: clinical testing. Allele origin: germline.
Comment: This sequence change replaces serine, which is neutral and polar, with arginine, which is basic and polar, at codon 694 of the KCNQ2 protein (p.Ser694Arg). This variant is not present in population databases (gnomAD no frequency). This variant has not been reported in the literature in individuals affected with KCNQ2-related conditions. An algorithm developed to predict the effect of missense changes on protein structure and function (PolyPhen-2) suggests that this variant is likely to be disruptive. In summary, the available evidence is currently insufficient to determine the role of this variant in disease. Therefore, it has been classified as a Variant of Uncertain Significance.